The following is an entry in ClinVar:

ClinVar aggregate classification (germline): Uncertain significance (1 of 4 stars; one submission).

Allele frequency attached by ClinVar (database versions not stated): ExAC 0.00001; TOPMed 0.00002; gnomAD exomes 0.00001.
gnomAD v4.1: 12 of 1,613,930 alleles (0.00074%); highest among the groups gnomAD compares: African/African-American, 0.0013%; no homozygotes.

Submission:

GeneDx
Classification: Uncertain significance. Last evaluated: 2019-07-02. Review status: criteria provided, single submitter. Criteria: GeneDx Variant Classification Process June 2021. Collection method: clinical testing. Allele origin: germline. Affected: yes.
Comment: Has not been previously published as pathogenic or benign to our knowledge

NM_001374736.1(DST):c.12121C>A (p.Leu4041Met)

Gene: DST (dystonin; minus strand). Cytogenetic location: 6p12.1.
Variant type: single nucleotide variant.
Coding change: c.12121C>A on transcript NM_001374736.1 (MANE Select); coding-DNA position 12121, C replaced by A.
Protein change: p.Leu4041Met; replaces leucine 4041 with methionine.
Molecular consequence: missense variant.
Genome position (GRCh38, 1-based): chr6:56,597,814, G>T on the plus strand (C>A on the coding strand, the complement: DST is on the minus strand). VCF-style: chr6-56597814-G-T. GRCh37 (hg19) VCF-style: chr6-56462612-G-T.
Other names: c.5764C>A, p.Leu1922Met (NM_001144769.5); c.5350C>A, p.Leu1784Met (NM_001144770.2); c.12121C>A, p.Leu4041Met (NM_001374722.1); c.11488C>A, p.Leu3830Met (NM_001374729.1); c.5230C>A, p.Leu1744Met (NM_001374730.1, NM_001386100.1, NM_183380.4); c.12148C>A, p.Leu4050Met (NM_001374734.1); c.4252C>A, p.Leu1418Met (NM_015548.5); short protein forms L1418M, L1744M, L1784M, L1922M, L3830M, L4041M, L4050M.
Identifiers: ClinVar variation 1303229 (VCV001303229.2), dbSNP rs771562597, ClinGen allele CA3868514.
Genomic context (GRCh38, chr6:56,597,814, plus strand): 5'-ATTGCTGATTCAGATTCTCCTGAGTGGTTCCAACTTGCCCATCAACATCAGTCTCCAACA[G>T]GTTACCATTAACTTCATCCTCTTCTCCAATTGCTGACTTGCCATCACCTTCTTGAAAATG-3'
Protein context (NP_001361665.1, residues 4031-4051): IGEEDEVNGN[Leu4041Met]LETDVDGQVG